The following is an entry in ClinVar:

NM_001164508.2(NEB):c.3896A>T (p.Asp1299Val)

Gene: NEB (nebulin; minus strand). Cytogenetic location: 2q23.3.
Variant type: single nucleotide variant.
Coding change: c.3896A>T on transcript NM_001164508.2 (MANE Select); coding-DNA position 3896, A replaced by T.
Protein change: p.Asp1299Val; replaces aspartic acid 1299 with valine.
Molecular consequence: missense variant.
Genome position (GRCh38, 1-based): chr2:151,674,568, T>A on the plus strand (A>T on the coding strand, the complement: NEB is on the minus strand). VCF-style: chr2-151674568-T-A. GRCh37 (hg19) VCF-style: chr2-152531082-T-A.
Other names: c.3896A>T, p.Asp1299Val (NM_001271208.2, NM_004543.5, NM_001164507.2); short protein forms D1299V.
Identifiers: ClinVar variation 1984787 (VCV001984787.4), dbSNP rs202207189, ClinGen allele CA348817807.

ClinVar aggregate classification (germline): Uncertain significance (1 of 4 stars; one submission).

Conditions:
Nemaline myopathy 2 (NEM2). Also called: Nemaline myopathy 2, autosomal recessive. Identifiers: MedGen C1850569, MONDO:0009725, OMIM 256030.

gnomAD v4.1: 1 of 1,611,942 alleles (0.000062%); highest among the groups gnomAD compares: Admixed American, 0.0017%; no homozygotes.

Submission:

Labcorp Genetics (formerly Invitae), Labcorp
Classification: Uncertain significance for Nemaline myopathy 2. Last evaluated: 2023-10-09. Review status: criteria provided, single submitter. Criteria: Invitae Variant Classification Sherloc (09022015). Collection method: clinical testing. Allele origin: germline.
Comment: This sequence change replaces aspartic acid, which is acidic and polar, with valine, which is neutral and non-polar, at codon 1299 of the NEB protein (p.Asp1299Val). This variant is not present in population databases (gnomAD no frequency). This variant has not been reported in the literature in individuals affected with NEB-related conditions. ClinVar contains an entry for this variant (Variation ID: 1984787). Experimental studies and prediction algorithms are not available or were not evaluated, and the functional significance of this variant is currently unknown. In summary, the available evidence is currently insufficient to determine the role of this variant in disease. Therefore, it has been classified as a Variant of Uncertain Significance.